The following is an entry in ClinVar:

ClinVar aggregate classification (germline): Uncertain significance. Review status: criteria provided, multiple submitters, no conflicts (2 of 4 stars). 2 submissions from 2 submitters: Uncertain significance (2). Last evaluated 2022-07-19.

Conditions:
Muscular dystrophy-dystroglycanopathy (congenital with brain and eye anomalies), type A13. Also called: WALKER-WARBURG SYNDROME OR MUSCLE-EYE-BRAIN DISEASE, B3GNT1-RELATED; Muscular dystrophy-dystroglycanopathy (congenital with brain and eye anomalies), type a, 13. Identifiers: Orphanet 899, MedGen C3809042, MONDO:0014120, OMIM 615287.

Allele frequency attached by ClinVar (database versions not stated): gnomAD exomes below 0.00001.

Submissions (2):

Labcorp Genetics (formerly Invitae), Labcorp
Classification: Uncertain significance for Muscular dystrophy-dystroglycanopathy (congenital with brain and eye anomalies), type A13. Last evaluated: 2022-07-19. Review status: criteria provided, single submitter. Criteria: Invitae Variant Classification Sherloc (09022015). Collection method: clinical testing. Allele origin: germline.
Comment: This variant has not been reported in the literature in individuals affected with B4GAT1-related conditions. The frequency data for this variant in the population databases is considered unreliable, as metrics indicate poor data quality at this position in the gnomAD database. This sequence change replaces alanine, which is neutral and non-polar, with valine, which is neutral and non-polar, at codon 126 of the B4GAT1 protein (p.Ala126Val). ClinVar contains an entry for this variant (Variation ID: 546525). In summary, the available evidence is currently insufficient to determine the role of this variant in disease. Therefore, it has been classified as a Variant of Uncertain Significance. Algorithms developed to predict the effect of missense changes on protein structure and function (SIFT, PolyPhen-2, Align-GVGD) all suggest that this variant is likely to be disruptive.

GeneDx
Classification: Uncertain significance. Last evaluated: 2018-05-30. Review status: criteria provided, single submitter. Criteria: GeneDx Variant Classification (06012015). Collection method: clinical testing. Allele origin: germline. Affected: yes.
Comment: A variant of uncertain significance has been identified in the B4GAT1 gene. The A126V variant has not been published as a pathogenic variant, nor has it been reported as a benign variant to our knowledge. The A126V variant is not observed in large population cohorts (Lek et al., 2016). The A126V variant is a conservative amino acid substitution, which is not likely to impact secondary protein structure as these residues share similar properties. In-silico analyses, including protein predictors and evolutionary conservation, support that this variant does not alter protein structure/function. Therefore, based on the currently available information, it is unclear whether this variant is a pathogenic variant or a rare benign variant.

NM_006876.3(B4GAT1):c.377C>T (p.Ala126Val)

Gene: B4GAT1 (beta-1,4-glucuronyltransferase 1; minus strand). Cytogenetic location: 11q13.2.
Variant type: single nucleotide variant.
Coding change: c.377C>T on transcript NM_006876.3 (MANE Select); coding-DNA position 377, C replaced by T.
Protein change: p.Ala126Val; replaces alanine 126 with valine.
Molecular consequence: missense variant.
Genome position (GRCh38, 1-based): chr11:66,347,169, G>A on the plus strand (C>T on the coding strand, the complement: B4GAT1 is on the minus strand). VCF-style: chr11-66347169-G-A. GRCh37 (hg19) VCF-style: chr11-66114640-G-A.
Other names: short protein forms A126V.
Identifiers: ClinVar variation 546525 (VCV000546525.10), dbSNP rs1161795181, ClinGen allele CA381418516.